The following is an entry in ClinVar:

NM_033033.4(KRT82):c.630G>C (p.Glu210Asp)

Gene: KRT82 (keratin 82; minus strand). Cytogenetic location: 12q13.13.
Variant type: single nucleotide variant.
Coding change: c.630G>C on transcript NM_033033.4 (MANE Select); coding-DNA position 630, G replaced by C.
Protein change: p.Glu210Asp; replaces glutamic acid 210 with aspartic acid.
Molecular consequence: missense variant.
Genome position (GRCh38, 1-based): chr12:52,401,340, C>G on the plus strand (G>C on the coding strand, the complement: KRT82 is on the minus strand). VCF-style: chr12-52401340-C-G. GRCh37 (hg19) VCF-style: chr12-52795124-C-G.
Other names: short protein forms E210D.
Identifiers: ClinVar variation 100885 (VCV000100885.2), dbSNP rs483352762, ClinGen allele CA229198.
Genomic context (GRCh38, chr12:52,401,340, plus strand): 5'-CCTCCTTACCTTCTTCAAGGCAACAAACTCATTCTCAACACAGGGACGCAGGGAGAGCTC[C>G]TCTTCGTATCTGATGGAAAAGGCAGGAAAAAATGCTTTAGTCGGGCTTGTGGATTTTGGA-3'
Protein context (NP_149022.3, residues 200-220): ALEGYKKKYE[Glu210Asp]ELSLRPCVEN

ClinVar aggregate classification (germline): Uncertain significance. Review status: no assertion criteria provided (0 of 4 stars). 2 submissions from 1 submitter: Uncertain significance (1). 1 of the submissions does not count toward it.

Submissions (2):

Richard Lifton Laboratory, Yale University School of Medicine
Classification: Uncertain significance. Review status: no assertion criteria provided. Collection method: not provided. Allele origin: somatic.
Comment: KRT82:p.E210D
ClinVar note: Converted during submission from unknown to Uncertain significance.

Richard Lifton Laboratory, Yale University School of Medicine
Classification: Uncertain significance. Review status: flagged submission. Collection method: not provided. Allele origin: somatic. Not counted in ClinVar's aggregate classification.
ClinVar note: Converted during submission from unknown to Uncertain significance.
ClinVar note: Reason: This record appears to be redundant with a more recent record from the same submitter.
ClinVar note: Notes: SCV000120110 appears to be redundant with SCV000155214.